The following is an entry in ClinVar:

ClinVar aggregate classification (germline): Uncertain significance (1 of 4 stars; one submission).

gnomAD v4.1: 39 of 1,613,888 alleles (0.0024%); highest among the groups gnomAD compares: South Asian, 0.034%; no homozygotes.

Submission:

Labcorp Genetics (formerly Invitae), Labcorp
Classification: Uncertain significance. Last evaluated: 2025-10-19. Review status: criteria provided, single submitter. Criteria: Invitae Variant Classification Sherloc (09022015). Collection method: clinical testing. Allele origin: germline.
Comment: This sequence change replaces glutamic acid, which is acidic and polar, with lysine, which is basic and polar, at codon 197 of the GHSR protein (p.Glu197Lys). This variant is present in population databases (rs776346975, gnomAD 0.02%). This variant has not been reported in the literature in individuals affected with GHSR-related conditions. Invitae Evidence Modeling of protein sequence and biophysical properties (such as structural, functional, and spatial information, amino acid conservation, physicochemical variation, residue mobility, and thermodynamic stability) indicates that this missense variant is expected to disrupt GHSR protein function with a positive predictive value of 80%. In summary, the available evidence is currently insufficient to determine the role of this variant in disease. Therefore, it has been classified as a Variant of Uncertain Significance.

NM_198407.2(GHSR):c.589G>A (p.Glu197Lys)

Gene: GHSR (growth hormone secretagogue receptor; minus strand). Cytogenetic location: 3q26.31.
Variant type: single nucleotide variant.
Coding change: c.589G>A on transcript NM_198407.2 (MANE Select); coding-DNA position 589, G replaced by A.
Protein change: p.Glu197Lys; replaces glutamic acid 197 with lysine.
Molecular consequence: missense variant.
Genome position (GRCh38, 1-based): chr3:172,447,825, C>T on the plus strand (G>A on the coding strand, the complement: GHSR is on the minus strand). VCF-style: chr3-172447825-C-T. GRCh37 (hg19) VCF-style: chr3-172165615-C-T.
Other names: c.589G>A, p.Glu197Lys (NM_004122.2); short protein forms E197K.
Identifiers: ClinVar variation 4749195 (VCV004749195.1).